The following is an entry in ClinVar:

NC_000016.9:g.(?_3817701)_(3860800_?)del

Gene: CREBBP (CREB binding lysine acetyltransferase; minus strand). Cytogenetic location: 16p13.3.
Variant type: Deletion.
Identifiers: ClinVar variation 1460099 (VCV001460099.6).

ClinVar aggregate classification (germline): Pathogenic (1 of 4 stars; one submission).

Conditions:
Rubinstein-Taybi syndrome (RSTS). Identifiers: Orphanet 783, MedGen C0035934, MONDO:0019188.

Submission:

Labcorp Genetics (formerly Invitae), Labcorp
Classification: Pathogenic for Rubinstein-Taybi syndrome. Last evaluated: 2021-01-14. Review status: criteria provided, single submitter. Criteria: Invitae Variant Classification Sherloc (09022015). Collection method: clinical testing. Allele origin: germline.
Comment: This variant has not been reported in the literature in individuals with CREBBP-related conditions. For these reasons, this variant has been classified as Pathogenic. This variant is a gross deletion of the genomic region encompassing exon(s) 3-16 of the CREBBP gene. This deletion is out-of-frame, and is expected to create a premature translational stop signal and result in an absent or disrupted protein product. Loss-of-function variants in CREBBP are known to be pathogenic (PMID: 17052327, 18792986).

Literature cited by the submitters: PubMed 17052327; PubMed 18792986.